The following is an entry in ClinVar:

NM_005148.4(UNC119):c.259G>A (p.Asp87Asn)

Gene: UNC119 (unc-119 lipid binding chaperone; minus strand). Cytogenetic location: 17q11.2.
Variant type: single nucleotide variant.
Coding change: c.259G>A on transcript NM_005148.4 (MANE Select); coding-DNA position 259, G replaced by A.
Protein change: p.Asp87Asn; replaces aspartic acid 87 with asparagine.
Molecular consequence: missense variant. On other transcripts: 5 prime UTR variant (1).
Genome position (GRCh38, 1-based): chr17:28,548,667, C>T on the plus strand (G>A on the coding strand, the complement: UNC119 is on the minus strand). VCF-style: chr17-28548667-C-T. GRCh37 (hg19) VCF-style: chr17-26875685-C-T.
Other names: c.-27G>A (NM_001330166.2); c.259G>A, p.Asp87Asn (NM_054035.2); short protein forms D87N.
Identifiers: ClinVar variation 965189 (VCV000965189.7), dbSNP rs762433273, ClinGen allele CA8459865.

ClinVar aggregate classification (germline): Uncertain significance (1 of 4 stars; one submission).

Allele frequency attached by ClinVar (database versions not stated): gnomAD 0.00002 and 0.00003; TOPMed 0.00003; gnomAD exomes 0.00004 and 0.00013; ExAC 0.00011; 1000 Genomes Project 30x 0.00031.
gnomAD v4.1: 68 of 1,614,152 alleles (0.0042%); highest among the groups gnomAD compares: East Asian, 0.045%; no homozygotes.

Submission:

Labcorp Genetics (formerly Invitae), Labcorp
Classification: Uncertain significance. Last evaluated: 2025-11-03. Review status: criteria provided, single submitter. Criteria: Invitae Variant Classification Sherloc (09022015). Collection method: clinical testing. Allele origin: germline.
Comment: This sequence change replaces aspartic acid, which is acidic and polar, with asparagine, which is neutral and polar, at codon 87 of the UNC119 protein (p.Asp87Asn). This variant is present in population databases (rs762433273, gnomAD 0.1%), and has an allele count higher than expected for a pathogenic variant. This missense change has been observed in individual(s) with cone-rod dystrophy (PMID: 23563732). ClinVar contains an entry for this variant (Variation ID: 965189). An algorithm developed to predict the effect of missense changes on protein structure and function (PolyPhen-2) suggests that this variant is likely to be tolerated. In summary, the available evidence is currently insufficient to determine the role of this variant in disease. Therefore, it has been classified as a Variant of Uncertain Significance.

Literature cited by the submitters: PubMed 23563732.